The following is an entry in ClinVar:

ClinVar aggregate classification (germline): Uncertain significance. Review status: criteria provided, multiple submitters, no conflicts (2 of 4 stars). 2 submissions from 2 submitters: Uncertain significance (2). Last evaluated 2025-02-06.

Conditions:
Acute myeloid leukemia (AML). Also called: Acute myeloid leukemia, adult; AML adult; Acute non-lymphocytic leukemia; Acute granulocytic leukemia; Leukemia, acute myeloid, somatic; Leukemia, acute myelogenous, somatic. Identifiers: Orphanet 519, MedGen C0023467, MeSH D015470, MONDO:0018874, OMIM 601626, HP:0004808. Disease mechanism: Constitutively activated FLT3.
Inborn genetic diseases. Identifiers: MedGen C0950123, MeSH D030342.

Allele frequency attached by ClinVar (database versions not stated): ExAC 0.00008.

Submissions (2):

Ambry Genetics
Classification: Uncertain significance for Inborn genetic diseases. Last evaluated: 2025-02-06. Review status: criteria provided, single submitter. Criteria: Ambry Variant Classification Scheme 2023. Collection method: clinical testing. Allele origin: germline.
Comment: The p.G54C variant (also known as c.160G>T), located in coding exon 1 of the CEBPA gene, results from a G to T substitution at nucleotide position 160. The glycine at codon 54 is replaced by cysteine, an amino acid with highly dissimilar properties. This amino acid position is conserved. In addition, this alteration is predicted to be tolerated by in silico analysis. Based on the available evidence, the clinical significance of this variant remains unclear.

Labcorp Genetics (formerly Invitae), Labcorp
Classification: Uncertain significance for Acute myeloid leukemia. Last evaluated: 2024-10-21. Review status: criteria provided, single submitter. Criteria: Invitae Variant Classification Sherloc (09022015). Collection method: clinical testing. Allele origin: germline.
Comment: This sequence change replaces glycine, which is neutral and non-polar, with cysteine, which is neutral and slightly polar, at codon 54 of the CEBPA protein (p.Gly54Cys). This variant is present in population databases (rs777090929, gnomAD 0.01%). This variant has not been reported in the literature in individuals affected with CEBPA-related conditions. Invitae Evidence Modeling of protein sequence and biophysical properties (such as structural, functional, and spatial information, amino acid conservation, physicochemical variation, residue mobility, and thermodynamic stability) indicates that this missense variant is not expected to disrupt CEBPA protein function with a negative predictive value of 80%. In summary, the available evidence is currently insufficient to determine the role of this variant in disease. Therefore, it has been classified as a Variant of Uncertain Significance.

NM_004364.5(CEBPA):c.160G>T (p.Gly54Cys)

Gene: CEBPA (CCAAT enhancer binding protein alpha; minus strand). Cytogenetic location: 19q13.11.
Variant type: single nucleotide variant.
Coding change: c.160G>T on transcript NM_004364.5 (MANE Select); coding-DNA position 160, G replaced by T.
Protein change: p.Gly54Cys; replaces glycine 54 with cysteine.
Molecular consequence: missense variant. On other transcripts: 5 prime UTR variant (1).
Genome position (GRCh38, 1-based): chr19:33,302,255, C>A on the plus strand (G>T on the coding strand, the complement: CEBPA is on the minus strand). VCF-style: chr19-33302255-C-A. GRCh37 (hg19) VCF-style: chr19-33793161-C-A.
Other names: c.-198G>T (NM_001285829.2); c.265G>T, p.Gly89Cys (NM_001287424.2); c.118G>T, p.Gly40Cys (NM_001287435.2); short protein forms G54C, G40C, G89C.
Identifiers: ClinVar variation 3141857 (VCV003141857.4), dbSNP rs777090929, ClinGen allele CA9363717.